The following is an entry in ClinVar:

NM_020822.3(KCNT1):c.2503G>A (p.Val835Met)

Gene: KCNT1 (potassium sodium-activated channel subfamily T member 1; plus strand). Cytogenetic location: 9q34.3.
Variant type: single nucleotide variant.
Coding change: c.2503G>A on transcript NM_020822.3 (MANE Select); coding-DNA position 2503, G replaced by A.
Protein change: p.Val835Met; replaces valine 835 with methionine.
Molecular consequence: missense variant.
Genome position (GRCh38, 1-based): chr9:135,777,491, G>A. VCF-style: chr9-135777491-G-A. GRCh37 (hg19) VCF-style: chr9-138669337-G-A.
Other names: c.2368G>A, p.Val790Met (NM_001272003.2); short protein forms V835M, V790M.
Identifiers: ClinVar variation 568887 (VCV000568887.9), dbSNP rs753584318, ClinGen allele CA5327319.

ClinVar aggregate classification (germline): Uncertain significance (1 of 4 stars; one submission).

Conditions:
Autosomal dominant nocturnal frontal lobe epilepsy 5. Also called: Epilepsy, nocturnal frontal lobe, 5; CILIARY DYSKINESIA, PRIMARY, 28, WITHOUT SITUS INVERSUS; CILIARY DYSKINESIA, PRIMARY, 28, WITH SITUS INVERSUS; KCNT1-Related Epilepsy. Identifiers: Orphanet 98784, MedGen C3554306, MONDO:0014002, OMIM 615005.
Developmental and epileptic encephalopathy, 14 (DEE14). Also called: Early infantile epileptic encephalopathy 14. Identifiers: Orphanet 293181, MedGen C3554195, MONDO:0013989, OMIM 614959.

Allele frequency attached by ClinVar (database versions not stated): gnomAD exomes below 0.00001; TOPMed below 0.00001; ExAC 0.00001.
gnomAD v4.1: 3 of 1,613,670 alleles (0.00019%); highest among the groups gnomAD compares: Non-Finnish European, 0.00025%; no homozygotes.

Submission:

Labcorp Genetics (formerly Invitae), Labcorp
Classification: Uncertain significance for Autosomal dominant nocturnal frontal lobe epilepsy 5; Developmental and epileptic encephalopathy, 14. Last evaluated: 2025-07-15. Review status: criteria provided, single submitter. Criteria: Invitae Variant Classification Sherloc (09022015). Collection method: clinical testing. Allele origin: germline.
Comment: This sequence change replaces valine, which is neutral and non-polar, with methionine, which is neutral and non-polar, at codon 835 of the KCNT1 protein (p.Val835Met). This variant is present in population databases (rs753584318, gnomAD 0.0009%). This variant has not been reported in the literature in individuals affected with KCNT1-related conditions. ClinVar contains an entry for this variant (Variation ID: 568887). Invitae Evidence Modeling of protein sequence and biophysical properties (such as structural, functional, and spatial information, amino acid conservation, physicochemical variation, residue mobility, and thermodynamic stability) indicates that this missense variant is expected to disrupt KCNT1 protein function with a positive predictive value of 80%. In summary, the available evidence is currently insufficient to determine the role of this variant in disease. Therefore, it has been classified as a Variant of Uncertain Significance.